The following is an entry in ClinVar:

ClinVar aggregate classification (germline): Pathogenic (1 of 4 stars; one submission).

Conditions:
Polycystic kidney disease, adult type (PKD1). Also called: Polycystic Kidney Disease 1, Autosomal Dominant; POLYCYSTIC KIDNEY DISEASE, ADULT, TYPE I; Polycystic kidney disease 1; Polycystic kidney disease 1, severe; POLYCYSTIC KIDNEY DISEASE 1 WITH OR WITHOUT POLYCYSTIC LIVER DISEASE; Polycystic Kidney, Autosomal Dominant. Identifiers: MedGen C3149841, MONDO:0008263, OMIM 173900.

Submission:

MVZ Medizinische Genetik Mainz
Classification: Pathogenic for Polycystic kidney disease, adult type. Last evaluated: 2026-02-24. Review status: criteria provided, single submitter. Criteria: UK Practice Guidelines For Variant Classification V4 01 2020. Collection method: clinical testing. Allele origin: germline. Inheritance: Autosomal dominant inheritance. Affected: yes. Observed: 1 variant allele.
Comment: ACMG Criteria: PVS1,PM2_SUP,PP4

NM_001009944.3(PKD1):c.11261dup (p.Gln3755fs)

Genes: PKD1 (polycystin 1, transient receptor potential channel interacting; minus strand), PKD1-AS1 (PKD1 antisense RNA 1; plus strand). Cytogenetic location: 16p13.3.
Variant type: Duplication.
Coding change: c.11261dup on transcript NM_001009944.3 (MANE Select); coding-DNA position 11261, one base duplicated (T; older notation c.11261dupT).
Protein change: p.Gln3755fs; shifts the reading frame from glutamine 3755.
Molecular consequence: frameshift variant.
Genome position (GRCh38, 1-based): chr16:2,092,488, A duplicated on the plus strand (T on the coding strand, the reverse complement: PKD1 is on the minus strand). VCF-style (leftmost placement, unchanged base first): chr16-2092487-C-CA. GRCh37 (hg19) VCF-style: chr16-2142488-C-CA.
Other names: c.11258dup, p.Gln3754fs (NM_000296.4); short protein forms Q3754fs, Q3755fs.
Identifiers: ClinVar variation 5038202 (VCV005038202.1).
Genomic context (GRCh38, chr16:2,092,487, plus strand): 5'-CTCTCTCAACAAGAGGAACGATTTAAGTCTTGGGGCACGCCCTGCCAGCTCACCTTCCTG[C>CA]AGCCGCACCTGCCGCAGCCGTGGGGGCCCCAGCTCTGGGCTGGACTGGTTCCCGTGGACG-3'